The following is an entry in ClinVar:

NM_000327.4(ROM1):c.766G>A (p.Val256Met)

Gene: ROM1 (retinal outer segment membrane protein 1; plus strand). Cytogenetic location: 11q12.3.
Variant type: single nucleotide variant.
Coding change: c.766G>A on transcript NM_000327.4 (MANE Select); coding-DNA position 766, G replaced by A.
Protein change: p.Val256Met; replaces valine 256 with methionine.
Molecular consequence: missense variant.
Genome position (GRCh38, 1-based): chr11:62,614,433, G>A. VCF-style: chr11-62614433-G-A. GRCh37 (hg19) VCF-style: chr11-62381905-G-A.
Other names: short protein forms V256M.
Identifiers: ClinVar variation 2960305 (VCV002960305.4), dbSNP rs1277106765, ClinGen allele CA380972495.

ClinVar aggregate classification (germline): Uncertain significance. Review status: criteria provided, multiple submitters, no conflicts (2 of 4 stars). 2 submissions from 2 submitters: Uncertain significance (2). Last evaluated 2023-09-10.

Allele frequency attached by ClinVar (database versions not stated): TOPMed 0.00001; gnomAD exomes 0.00002.
gnomAD v4.1: 30 of 1,614,184 alleles (0.0019%); highest among the groups gnomAD compares: Non-Finnish European, 0.0025%; no homozygotes.

Submissions (2):

Labcorp Genetics (formerly Invitae), Labcorp
Classification: Uncertain significance. Last evaluated: 2023-09-10. Review status: criteria provided, single submitter. Criteria: Invitae Variant Classification Sherloc (09022015). Collection method: clinical testing. Allele origin: germline.
Comment: In summary, the available evidence is currently insufficient to determine the role of this variant in disease. Therefore, it has been classified as a Variant of Uncertain Significance. Advanced modeling of protein sequence and biophysical properties (such as structural, functional, and spatial information, amino acid conservation, physicochemical variation, residue mobility, and thermodynamic stability) performed at Invitae indicates that this missense variant is not expected to disrupt ROM1 protein function. This variant has not been reported in the literature in individuals affected with ROM1-related conditions. This variant is present in population databases (no rsID available, gnomAD 0.007%). This sequence change replaces valine, which is neutral and non-polar, with methionine, which is neutral and non-polar, at codon 256 of the ROM1 protein (p.Val256Met).

Blueprint Genetics
Classification: Uncertain significance. Last evaluated: 2021-06-14. Review status: criteria provided, single submitter. Criteria: ACMG Guidelines, 2015. Collection method: clinical testing. Allele origin: germline.